The following is an entry in ClinVar:

NM_014762.4(DHCR24):c.1248C>G (p.Ile416Met)

Gene: DHCR24 (24-dehydrocholesterol reductase; minus strand). Cytogenetic location: 1p32.3.
Variant type: single nucleotide variant.
Coding change: c.1248C>G on transcript NM_014762.4 (MANE Select); coding-DNA position 1248, C replaced by G.
Protein change: p.Ile416Met; replaces isoleucine 416 with methionine.
Molecular consequence: missense variant.
Genome position (GRCh38, 1-based): chr1:54,853,583, G>C on the plus strand (C>G on the coding strand, the complement: DHCR24 is on the minus strand). VCF-style: chr1-54853583-G-C. GRCh37 (hg19) VCF-style: chr1-55319256-G-C.
Other names: short protein forms I416M.
Identifiers: ClinVar variation 3687267 (VCV003687267.1).

ClinVar aggregate classification (germline): Uncertain significance (1 of 4 stars; one submission).

Submission:

Labcorp Genetics (formerly Invitae), Labcorp
Classification: Uncertain significance. Last evaluated: 2024-09-13. Review status: criteria provided, single submitter. Criteria: Invitae Variant Classification Sherloc (09022015). Collection method: clinical testing. Allele origin: germline.
Comment: This sequence change replaces isoleucine, which is neutral and non-polar, with methionine, which is neutral and non-polar, at codon 416 of the DHCR24 protein (p.Ile416Met). This variant is not present in population databases (gnomAD no frequency). This variant has not been reported in the literature in individuals affected with DHCR24-related conditions. Invitae Evidence Modeling of protein sequence and biophysical properties (such as structural, functional, and spatial information, amino acid conservation, physicochemical variation, residue mobility, and thermodynamic stability) indicates that this missense variant is not expected to disrupt DHCR24 protein function with a negative predictive value of 80%. In summary, the available evidence is currently insufficient to determine the role of this variant in disease. Therefore, it has been classified as a Variant of Uncertain Significance.